The following is an entry in ClinVar:

NM_003742.4(ABCB11):c.1354_1427del (p.Ala452fs)

Gene: ABCB11 (ATP binding cassette subfamily B member 11; minus strand). Cytogenetic location: 2q31.1.
Variant type: Deletion.
Coding change: c.1354_1427del on transcript NM_003742.4 (MANE Select); coding-DNA positions 1354 to 1427, 74 bases deleted.
Protein change: p.Ala452fs; shifts the reading frame from alanine 452.
Molecular consequence: frameshift variant.
Genome position (GRCh38, 1-based): chr2:168,973,722-168,973,795, 74 bases deleted. GRCh37 (hg19): chr2:169,830,233-169,830,306.
Other names: c.1354_1427del74 (NM_003742.2); c.1354_1427del, p.Ala452fs (LRG_1199t1); short protein forms A452fs.
Identifiers: ClinVar variation 289254 (VCV000289254.9), dbSNP rs1574453486, ClinGen allele CA10606391.

ClinVar aggregate classification (germline): Pathogenic/Likely pathogenic. Review status: criteria provided, multiple submitters, no conflicts (2 of 4 stars). 3 submissions from 3 submitters: Pathogenic (2); Likely pathogenic (1). Last evaluated 2025-10-12.

Conditions:
ABCB11-related disorder. Also called: ABCB11-related condition.

Submissions (3):

PreventionGenetics, part of Exact Sciences
Classification: Likely pathogenic for ABCB11-related condition. Last evaluated: 2025-10-12. Review status: criteria provided, single submitter. Criteria: ACMG Guidelines, 2015. Collection method: clinical testing. Allele origin: germline.
Comment: The ABCB11 c.1354_1427del74 variant is predicted to result in a frameshift and premature protein termination (p.Ala452Argfs*9). To our knowledge, this variant has not been previously reported in the literature. This variant has not been reported in a large population database (gnomAD), indicating this variant is rare. Frameshift variants in ABCB11 are expected to be pathogenic. This variant is interpreted as likely pathogenic.

Labcorp Genetics (formerly Invitae), Labcorp
Classification: Pathogenic. Last evaluated: 2024-01-19. Review status: criteria provided, single submitter. Criteria: Invitae Variant Classification Sherloc (09022015). Collection method: clinical testing. Allele origin: germline.
Comment: This sequence change creates a premature translational stop signal (p.Ala452Argfs*9) in the ABCB11 gene. It is expected to result in an absent or disrupted protein product. Loss-of-function variants in ABCB11 are known to be pathogenic (PMID: 18395098, 20232290). This variant is not present in population databases (gnomAD no frequency). This variant has not been reported in the literature in individuals affected with ABCB11-related conditions. ClinVar contains an entry for this variant (Variation ID: 289254). For these reasons, this variant has been classified as Pathogenic.

Eurofins Ntd Llc (ga)
Classification: Pathogenic. Last evaluated: 2016-07-06. Review status: criteria provided, single submitter. Criteria: EGL Classification Definitions 2015. Collection method: clinical testing. Allele origin: germline. Observed: 1 variant allele, 1 heterozygote.

Literature cited by the submitters: PubMed 18395098 (cited by Labcorp Genetics (formerly Invitae), Labcorp); PubMed 20232290 (cited by Labcorp Genetics (formerly Invitae), Labcorp).